The following is an entry in ClinVar:

NM_015634.4(KIFBP):c.751A>G (p.Ile251Val)

Gene: KIFBP (kinesin family binding protein; plus strand). Cytogenetic location: 10q22.1.
Variant type: single nucleotide variant.
Coding change: c.751A>G on transcript NM_015634.4 (MANE Select); coding-DNA position 751, A replaced by G.
Protein change: p.Ile251Val; replaces isoleucine 251 with valine.
Molecular consequence: missense variant.
Genome position (GRCh38, 1-based): chr10:69,005,877, A>G. VCF-style: chr10-69005877-A-G. GRCh37 (hg19) VCF-style: chr10-70765633-A-G.
Other names: short protein forms I251V.
Identifiers: ClinVar variation 1912602 (VCV001912602.4), dbSNP rs1355494591, ClinGen allele CA376896897.

ClinVar aggregate classification (germline): Uncertain significance (1 of 4 stars; one submission).

Allele frequency attached by ClinVar (database versions not stated): gnomAD exomes below 0.00001.
gnomAD v4.1: 1 of 1,614,132 alleles (0.000062%); highest among the groups gnomAD compares: Admixed American, 0.0017%; no homozygotes.

Submission:

Labcorp Genetics (formerly Invitae), Labcorp
Classification: Uncertain significance. Last evaluated: 2022-06-29. Review status: criteria provided, single submitter. Criteria: Invitae Variant Classification Sherloc (09022015). Collection method: clinical testing. Allele origin: germline.
Comment: Algorithms developed to predict the effect of missense changes on protein structure and function output the following: SIFT: "Tolerated"; PolyPhen-2: "Benign"; Align-GVGD: "Class C15". The valine amino acid residue is found in multiple mammalian species, which suggests that this missense change does not adversely affect protein function. This sequence change replaces isoleucine, which is neutral and non-polar, with valine, which is neutral and non-polar, at codon 251 of the KIF1BP protein (p.Ile251Val). This variant is present in population databases (no rsID available, gnomAD 0.003%). This variant has not been reported in the literature in individuals affected with KIF1BP-related conditions. In summary, the available evidence is currently insufficient to determine the role of this variant in disease. Therefore, it has been classified as a Variant of Uncertain Significance.